The following is an entry in ClinVar:

ClinVar aggregate classification (germline): Uncertain significance (1 of 4 stars; one submission).

Conditions:
Hereditary cancer-predisposing syndrome. Also called: Hereditary Cancer Syndrome; Neoplastic Syndromes, Hereditary; Tumor predisposition; Hereditary neoplastic syndrome. Identifiers: Orphanet 140162, MedGen C0027672, MeSH D009386, MONDO:0015356.

Submission:

Labcorp Genetics (formerly Invitae), Labcorp
Classification: Uncertain significance for Hereditary cancer-predisposing syndrome. Last evaluated: 2023-11-21. Review status: criteria provided, single submitter. Criteria: Invitae Variant Classification Sherloc (09022015). Collection method: clinical testing. Allele origin: germline.
Comment: This sequence change falls in intron 24 of the RAD50 gene. It does not directly change the encoded amino acid sequence of the RAD50 protein. Information on the frequency of this variant in the gnomAD database is not available, as this variant may be reported differently in the database. This variant has not been reported in the literature in individuals affected with RAD50-related conditions. In summary, the available evidence is currently insufficient to determine the role of this variant in disease. Therefore, it has been classified as a Variant of Uncertain Significance.

NM_005732.4(RAD50):c.3752+20_3752+22delinsTTA

Genes: TH2-LCR (Th2 cytokine locus control region; plus strand), RAD50 (RAD50 double strand break repair protein; plus strand), TH2LCRR (T helper type 2 locus control region associated RNA; minus strand). Cytogenetic location: 5q31.1.
Variant type: Indel.
Coding change: c.3752+20_3752+22delinsTTA on transcript NM_005732.4 (MANE Select); bases 20 to 22 of the intron after coding-DNA position 3752, GCT replaced by TTA.
Molecular consequence: intron variant.
Genome position (GRCh38, 1-based): chr5:132,640,825-132,640,827, GCT replaced by TTA. VCF-style: chr5-132640825-GCT-TTA. GRCh37 (hg19) VCF-style: chr5-131976517-GCT-TTA.
Identifiers: ClinVar variation 2797782 (VCV002797782.3), dbSNP rs2479435885, ClinGen allele CA2739275068.
Genomic context (GRCh38, chr5:132,640,825, plus strand): 5'-GACCGAGAAAACATTGAATCTCTTGCACATGCTCTGGTTGAGTAAGTATCTCTTGCACAT[GCT>TTA]CTGGTTGAGTAAGTATCTCACATTTGGGGACAGGTTGTGATAGTTCTTCAAAACCAAGAG-3'